The following is an entry in ClinVar:

NM_003128.3(SPTBN1):c.4324C>T (p.Gln1442Ter)

Gene: SPTBN1 (spectrin beta, non-erythrocytic 1; plus strand). Cytogenetic location: 2p16.2.
Variant type: single nucleotide variant.
Coding change: c.4324C>T on transcript NM_003128.3 (MANE Select); coding-DNA position 4324, C replaced by T.
Protein change: p.Gln1442Ter; replaces glutamine 1442 with a stop codon.
Molecular consequence: nonsense.
Genome position (GRCh38, 1-based): chr2:54,645,283, C>T. VCF-style: chr2-54645283-C-T. GRCh37 (hg19) VCF-style: chr2-54872420-C-T.
Other names: c.4285C>T, p.Gln1429Ter (NM_178313.3); short protein forms Q1429*, Q1442*.
Identifiers: ClinVar variation 3033521 (VCV003033521.2), dbSNP rs2549555299, ClinGen allele CA346900636.

ClinVar aggregate classification (germline): Uncertain significance (0 of 4 stars; one submission).

Conditions:
SPTBN1-related disorder. Also called: SPTBN1-related condition.

gnomAD v4.1: 1 of 1,614,200 alleles (0.000062%); no homozygotes.

Submission:

PreventionGenetics, part of Exact Sciences
Classification: Uncertain significance for SPTBN1-related condition. Last evaluated: 2024-01-23. Review status: no assertion criteria provided. Collection method: clinical testing. Allele origin: germline.
Comment: The SPTBN1 c.4324C>T variant is predicted to result in premature protein termination (p.Gln1442*). To our knowledge, this variant has not been reported in the literature or in a large population database, indicating this variant is rare. Only a small number of premature termination variants have been reported in SPTBN1 having association with neurodevelopmental disease (see for example, Rosenfeld et al. 2021. PubMed ID: 33847457), and loss-of-function variants are present at low allele-counts throughout SPTBN1 in gnomAD. Although we suspect that this variant may be pathogenic, at this time, the clinical significance of this variant is uncertain due to the absence of conclusive functional and genetic evidence.